The following is an entry in ClinVar:

NM_000179.3(MSH6):c.410G>A (p.Ser137Asn)

Gene: MSH6 (mutS homolog 6; plus strand). Cytogenetic location: 2p16.3.
Variant type: single nucleotide variant.
Coding change: c.410G>A on transcript NM_000179.3 (MANE Select); coding-DNA position 410, G replaced by A.
Protein change: p.Ser137Asn; replaces serine 137 with asparagine.
Molecular consequence: missense variant. On other transcripts: intron variant (1), 5 prime UTR variant (2).
Genome position (GRCh38, 1-based): chr2:47,791,076, G>A. VCF-style: chr2-47791076-G-A. GRCh37 (hg19) VCF-style: chr2-48018215-G-A.
Other names: c.410G>A, p.Ser137Asn (NM_001406796.1, NM_001406798.1, NM_001406800.1 and 6 more transcripts); c.113G>A, p.Ser38Asn (NM_001406797.1, NM_001406801.1, NM_001406805.1 and 10 more transcripts); c.506G>A, p.Ser169Asn (NM_001406802.1, NM_001406795.1); c.332G>A, p.Ser111Asn (NM_001406804.1); c.-519G>A (NM_001406807.1); c.-327G>A (NM_001406811.1, NM_001406823.1, NM_001406829.1 and 1 more transcripts); c.-585G>A (NM_001406814.1); c.242G>A, p.Ser81Asn (NM_001406826.1); and 2 more; short protein forms S137N, S81N, S111N, S169N, S38N.
Identifiers: ClinVar variation 2015002 (VCV002015002.3), dbSNP rs1668699972, ClinGen allele CA346737112.

ClinVar aggregate classification (germline): Uncertain significance (1 of 4 stars; one submission).

Conditions:
Hereditary nonpolyposis colorectal neoplasms. Identifiers: MedGen C0009405, MeSH D003123.

Submission:

Labcorp Genetics (formerly Invitae), Labcorp
Classification: Uncertain significance for Hereditary nonpolyposis colorectal neoplasms. Last evaluated: 2022-07-08. Review status: criteria provided, single submitter. Criteria: Invitae Variant Classification Sherloc (09022015). Collection method: clinical testing. Allele origin: germline.
Comment: In summary, the available evidence is currently insufficient to determine the role of this variant in disease. Therefore, it has been classified as a Variant of Uncertain Significance. This sequence change replaces serine, which is neutral and polar, with asparagine, which is neutral and polar, at codon 137 of the MSH6 protein (p.Ser137Asn). This variant is not present in population databases (gnomAD no frequency). This variant has not been reported in the literature in individuals affected with MSH6-related conditions. Advanced modeling of protein sequence and biophysical properties (such as structural, functional, and spatial information, amino acid conservation, physicochemical variation, residue mobility, and thermodynamic stability) performed at Invitae indicates that this missense variant is not expected to disrupt MSH6 protein function.